The following is an entry in ClinVar:

NM_018699.4(PRDM5):c.710C>T (p.Ser237Phe)

Gene: PRDM5 (PR/SET domain 5; minus strand). Cytogenetic location: 4q27.
Variant type: single nucleotide variant.
Coding change: c.710C>T on transcript NM_018699.4 (MANE Select); coding-DNA position 710, C replaced by T.
Protein change: p.Ser237Phe; replaces serine 237 with phenylalanine.
Molecular consequence: missense variant. On other transcripts: intron variant (3).
Genome position (GRCh38, 1-based): chr4:120,816,865, G>A on the plus strand (C>T on the coding strand, the complement: PRDM5 is on the minus strand). VCF-style: chr4-120816865-G-A. GRCh37 (hg19) VCF-style: chr4-121738020-G-A.
Other names: c.710C>T, p.Ser237Phe (NM_001379104.1); c.651-291C>T (NM_001300824.2, NM_001379106.1, NM_001300823.2); short protein forms S237F.
Identifiers: ClinVar variation 3600949 (VCV003600949.1).

ClinVar aggregate classification (germline): Uncertain significance (1 of 4 stars; one submission).

gnomAD v4.1: 2 of 1,613,880 alleles (0.00012%); highest among the groups gnomAD compares: African/African-American, 0.0013%; no homozygotes.

Submission:

GeneDx
Classification: Uncertain significance. Last evaluated: 2024-07-22. Review status: criteria provided, single submitter. Criteria: GeneDx Variant Classification Process June 2021. Collection method: clinical testing. Allele origin: germline. Affected: yes.
Comment: Not observed at significant frequency in large population cohorts (gnomAD); In silico analysis supports that this missense variant has a deleterious effect on protein structure/function; Has not been previously published as pathogenic or benign to our knowledge